The following is an entry in ClinVar:

NM_017849.4(TMEM127):c.565C>T (p.Leu189=)

Gene: TMEM127 (transmembrane protein 127; minus strand). Cytogenetic location: 2q11.2.
Variant type: single nucleotide variant.
Coding change: c.565C>T on transcript NM_017849.4 (MANE Select); coding-DNA position 565, C replaced by T.
Protein change: p.Leu189=; no amino-acid change (leucine 189 retained).
Molecular consequence: synonymous variant.
Genome position (GRCh38, 1-based): chr2:96,253,960, G>A on the plus strand (C>T on the coding strand, the complement: TMEM127 is on the minus strand). VCF-style: chr2-96253960-G-A. GRCh37 (hg19) VCF-style: chr2-96919698-G-A.
Other names: c.565C>T (NM_001193304.2); c.565C>T, p.Leu189= (NM_001193304.3).
Identifiers: ClinVar variation 184272 (VCV000184272.60), dbSNP rs146965678, ClinGen allele CA188441.

ClinVar aggregate classification (germline): Benign/Likely benign. Review status: criteria provided, multiple submitters, no conflicts (2 of 4 stars). 15 submissions from 15 submitters: Benign (6); Likely benign (7). 2 of the submissions do not count toward it. Last evaluated 2026-09-01.

Conditions:
Hereditary pheochromocytoma and paraganglioma. Also called: Hereditary Paraganglioma-Pheochromocytoma Syndromes; Hereditary pheochromocytoma-paraganglioma; Hereditary paragangliomas and pheochromocytomas. Identifiers: Orphanet 29072, MedGen C4274332, MONDO:0017366.
Pheochromocytoma. Also called: MAX-Related Hereditary Paraganglioma-Pheochromocytoma Syndrome. Identifiers: Orphanet 29072, MedGen C0031511, MONDO:0008233, OMIM 171300, HP:0002666.
Hereditary cancer-predisposing syndrome. Also called: Neoplastic Syndromes, Hereditary; Tumor predisposition; Hereditary Cancer Syndrome; Hereditary neoplastic syndrome. Identifiers: Orphanet 140162, MedGen C0027672, MeSH D009386, MONDO:0015356.

Allele frequency attached by ClinVar (database versions not stated): gnomAD 0.00022; TOPMed 0.00045; 1000 Genomes Project 30x 0.00078; 1000 Genomes Project 0.00060; ESP Exome Variant Server 0.00031.

Submissions (15):

CeGaT Center for Human Genetics Tuebingen
Classification: Benign. Last evaluated: 2026-09-01. Review status: criteria provided, single submitter. Criteria: CeGaT Center For Human Genetics Tuebingen Variant Classification Criteria Version 2. Collection method: clinical testing. Allele origin: germline. Affected: yes. Observed: 15 variant alleles.
Comment: TMEM127: BP4, BS1, BS2

Myriad Genetics, Inc.
Classification: Benign for Hereditary pheochromocytoma and paraganglioma. Last evaluated: 2026-07-30. Review status: criteria provided, single submitter. Criteria: Myriad Autosomal Dominant, Autosomal Recessive and X-Linked Classification Criteria (2023). Collection method: clinical testing. Allele origin: unknown.
Comment: This variant is considered benign. This variant is a silent/synonymous amino acid change and it is not expected to impact splicing.

Labcorp Genetics (formerly Invitae), Labcorp
Classification: Benign for Hereditary pheochromocytoma and paraganglioma. Last evaluated: 2026-01-28. Review status: criteria provided, single submitter. Criteria: Invitae Variant Classification Sherloc (09022015). Collection method: clinical testing. Allele origin: germline.

Women's Health and Genetics/Laboratory Corporation of America, LabCorp
Classification: Benign. Last evaluated: 2025-07-12. Review status: criteria provided, single submitter. Criteria: LabCorp Variant Classification Summary - May 2015. Collection method: clinical testing. Allele origin: germline.

Blueprint Genetics
Classification: Likely benign. Last evaluated: 2024-10-29. Review status: criteria provided, single submitter. Criteria: ACMG Guidelines, 2015. Collection method: clinical testing. Allele origin: germline.

KCCC/NGS Laboratory, Kuwait Cancer Control Center
Classification: Benign for Pheochromocytoma. Last evaluated: 2023-07-07. Review status: criteria provided, single submitter. Criteria: ACMG Guidelines, 2015. Collection method: clinical testing. Allele origin: germline. Affected: yes.

Department of Pathology and Laboratory Medicine, Sinai Health System
Classification: Likely benign for Pheochromocytoma. Last evaluated: 2022-06-07. Review status: criteria provided, single submitter. Criteria: ACMG Guidelines, 2015. Collection method: clinical testing. Allele origin: germline. Affected: yes.

Sema4
Classification: Likely benign for Hereditary cancer-predisposing syndrome. Last evaluated: 2021-05-18. Review status: criteria provided, single submitter. Criteria: Sema4 Curation Guidelines. Collection method: curation. Allele origin: germline.

Genetic Services Laboratory, University of Chicago
Classification: Likely benign. Last evaluated: 2020-03-04. Review status: criteria provided, single submitter. Criteria: ACMG Guidelines, 2015. Collection method: clinical testing. Allele origin: germline. Affected: no.

Illumina Laboratory Services, Illumina
Classification: Benign for Pheochromocytoma. Last evaluated: 2018-01-12. Review status: criteria provided, single submitter. Criteria: ICSL Variant Classification Criteria 13 December 2019. Collection method: clinical testing. Allele origin: germline.
Comment: This variant was observed in the ICSL laboratory as part of a predisposition screen in an ostensibly healthy population. It had not been previously curated by ICSL or reported in the Human Gene Mutation Database (HGMD: prior to June 1st, 2018), and was therefore a candidate for classification through an automated scoring system. Utilizing variant allele frequency, disease prevalence and penetrance estimates, and inheritance mode, an automated score was calculated to assess if this variant is too frequent to cause the disease. Based on the score and internal cut-off values, a variant classified as benign is not then subjected to further curation. The score for this variant resulted in a classification of benign for this disease.

GeneDx
Classification: Likely benign. Last evaluated: 2016-09-14. Review status: criteria provided, single submitter. Criteria: GeneDx Variant Classification (06012015). Collection method: clinical testing. Allele origin: germline. Affected: yes.
Comment: This variant is considered likely benign or benign based on one or more of the following criteria: it is a conservative change, it occurs at a poorly conserved position in the protein, it is predicted to be benign by multiple in silico algorithms, and/or has population frequency not consistent with disease.

Ambry Genetics
Classification: Likely benign for Hereditary cancer-predisposing syndrome. Last evaluated: 2014-11-17. Review status: criteria provided, single submitter. Criteria: Ambry Variant Classification Scheme 2023. Collection method: clinical testing. Allele origin: germline.

Breakthrough Genomics
Classification: Likely benign. Review status: criteria provided, single submitter. Criteria: ACMG Guidelines, 2015. Collection method: not provided. Allele origin: germline. Inheritance: Autosomal dominant inheritance. Affected: yes.

Clinical Genetics DNA and cytogenetics Diagnostics Lab, Erasmus MC, Erasmus Medical Center
Classification: Likely benign. Review status: no assertion criteria provided. Collection method: clinical testing. Allele origin: germline. Affected: yes. Study: VKGL Data-share Consensus. Not counted in ClinVar's aggregate classification.

Joint Genome Diagnostic Labs from Nijmegen and Maastricht, Radboudumc and MUMC+
Classification: Likely benign. Review status: no assertion criteria provided. Collection method: clinical testing. Allele origin: germline. Affected: yes. Study: VKGL Data-share Consensus. Not counted in ClinVar's aggregate classification.